The following is an entry in ClinVar:

ClinVar aggregate classification (germline): Pathogenic/Likely pathogenic. Review status: criteria provided, multiple submitters, no conflicts (2 of 4 stars). 2 submissions from 2 submitters: Pathogenic (1); Likely pathogenic (1). Last evaluated 2023-02-27.

Conditions:
MMAA-related disorder. Also called: MMAA-related condition.
Methylmalonic aciduria, cblA type (MACA). Also called: Methylmalonic aciduria, vitamin B12-responsive; Vitamin B12-responsive methylmalonic acidemia type cblA; Methylmalonic aciduria, vitamin b12-responsive, due to defect in synthesis of adenosylcobalamin, cbla complementation type; MMA cbl A type; Methylmalonic acidemia cblA type. Identifiers: Orphanet 28, Orphanet 79310, MedGen C1855109, MONDO:0009613, OMIM 251100.

Allele frequency attached by ClinVar (database versions not stated): gnomAD exomes below 0.00001.

Submissions (2):

PreventionGenetics, part of Exact Sciences
Classification: Likely pathogenic for MMAA-related condition. Last evaluated: 2023-02-27. Review status: criteria provided, single submitter. Criteria: ACMG Guidelines, 2015. Collection method: clinical testing. Allele origin: germline.
Comment: The MMAA c.639delT variant is predicted to result in a frameshift and premature protein termination (p.Arg214Glufs*4). To our knowledge, this variant has not been reported in the literature. This variant has not been reported in a large population database, indicating this variant is rare. Frameshift variants in MMAA are expected to be pathogenic (see, for example, Martínez et al. 2005. PubMed ID: 15781192; Lerner-Ellis et al. 2004. PubMed ID: 15523652). Taken together, this variant is interpreted as likely pathogenic.

Labcorp Genetics (formerly Invitae), Labcorp
Classification: Pathogenic for Methylmalonic aciduria, cblA type. Last evaluated: 2021-08-07. Review status: criteria provided, single submitter. Criteria: Invitae Variant Classification Sherloc (09022015). Collection method: clinical testing. Allele origin: germline.
Comment: This sequence change creates a premature translational stop signal (p.Arg214Glufs*4) in the MMAA gene. It is expected to result in an absent or disrupted protein product. Loss-of-function variants in MMAA are known to be pathogenic (PMID: 15523652, 15781192). This variant is not present in population databases (ExAC no frequency). This variant has not been reported in the literature in individuals affected with MMAA-related conditions. For these reasons, this variant has been classified as Pathogenic.

Literature cited by the submitters: PubMed 15523652 (cited by Labcorp Genetics (formerly Invitae), Labcorp); PubMed 15781192 (cited by Labcorp Genetics (formerly Invitae), Labcorp).

NM_172250.3(MMAA):c.639del (p.Arg214fs)

Gene: MMAA (metabolism of cobalamin associated A; plus strand). Cytogenetic location: 4q31.21.
Variant type: Deletion.
Coding change: c.639del on transcript NM_172250.3 (MANE Select); coding-DNA position 639, one base deleted (T; older notation c.639delT).
Protein change: p.Arg214fs; shifts the reading frame from arginine 214.
Molecular consequence: frameshift variant.
Genome position (GRCh38, 1-based): chr4:145,646,062, T deleted. VCF-style (leftmost placement, unchanged base first): chr4-145646061-CT-C. GRCh37 (hg19) VCF-style: chr4-146567213-CT-C.
Other names: c.639delT (NM_172250.2); c.639del, p.Arg214fs (NM_001375644.1); short protein forms R214fs.
Identifiers: ClinVar variation 1361666 (VCV001361666.6), dbSNP rs2126622813, ClinGen allele CA2573138134.